The following is an entry in ClinVar:

NM_004928.3(CFAP410):c.164_168dup (p.Pro57fs)

Gene: CFAP410 (cilia and flagella associated protein 410; minus strand). Cytogenetic location: 21q22.3.
Variant type: Duplication.
Coding change: c.164_168dup on transcript NM_004928.3 (MANE Select); coding-DNA positions 164 to 168, 5 bases duplicated (TGGAG; older notation c.164_168dupTGGAG).
Protein change: p.Pro57fs; shifts the reading frame from proline 57.
Molecular consequence: frameshift variant.
Genome position (GRCh38, 1-based): chr21:44,333,238-44,333,242, CTCCA duplicated on the plus strand (TGGAG on the coding strand, the reverse complement: CFAP410 is on the minus strand). VCF-style (leftmost placement, unchanged base first): chr21-44333237-G-GCTCCA. GRCh37 (hg19) VCF-style: chr21-45753120-G-GCTCCA.
Other names: c.164_168dup, p.Pro57fs (NM_001271440.2, NM_001271441.2); c.41_45dup, p.Pro16fs (NM_001271442.1); short protein forms P16fs, P57fs.
Identifiers: ClinVar variation 2024776 (VCV002024776.4), dbSNP rs2518053029, ClinGen allele CA2580098830.
Genomic context (GRCh38, chr21:44,333,237, plus strand): 5'-GGCTGGGGATGCGGTTCCTCCGCAGGTACAGCTCACTCAGGCGCTGGCACCGGCTCACAG[G>GCTCCA]CTCCAGGGTGGAGATGCTGTTGACACTGCACGGAGACCAGCACAGTCAGCGAGGGACGTG-3'

ClinVar aggregate classification (germline): Pathogenic (1 of 4 stars; one submission).

Submission:

Labcorp Genetics (formerly Invitae), Labcorp
Classification: Pathogenic. Last evaluated: 2022-09-06. Review status: criteria provided, single submitter. Criteria: Invitae Variant Classification Sherloc (09022015). Collection method: clinical testing. Allele origin: germline.
Comment: For these reasons, this variant has been classified as Pathogenic. This variant has not been reported in the literature in individuals affected with CFAP410-related conditions. This variant is not present in population databases (gnomAD no frequency). This sequence change creates a premature translational stop signal (p.Pro57Trpfs*4) in the CFAP410 gene. It is expected to result in an absent or disrupted protein product. Loss-of-function variants in CFAP410 are known to be pathogenic (PMID: 23105016, 26167768).

Literature cited by the submitters: PubMed 23105016; PubMed 26167768.